The following is an entry in ClinVar:

ClinVar aggregate classification (germline): Benign/Likely benign. Review status: criteria provided, multiple submitters, no conflicts (2 of 4 stars). 4 submissions from 4 submitters: Benign (1); Likely benign (3). Last evaluated 2026-01-01.

Conditions:
Developmental and epileptic encephalopathy, 8 (DEE8). Also called: HYPEREKPLEXIA AND EPILEPSY. Identifiers: Orphanet 163985, Orphanet 2076, MedGen C1845102, MONDO:0010375, OMIM 300607.

Allele frequency attached by ClinVar (database versions not stated): gnomAD exomes 0.00003 and 0.00005; TOPMed 0.00003; gnomAD 0.00006 and 0.00007; ExAC 0.00007.
gnomAD v4.1: 40 of 1,208,951 alleles (0.0033%); highest among the groups gnomAD compares: East Asian, 0.0089%; no homozygotes.

Submissions (4):

CeGaT Center for Human Genetics Tuebingen
Classification: Likely benign. Last evaluated: 2026-01-01. Review status: criteria provided, single submitter. Criteria: CeGaT Center For Human Genetics Tuebingen Variant Classification Criteria Version 2. Collection method: clinical testing. Allele origin: germline. Affected: yes. Observed: 1 variant allele.
Comment: ARHGEF9: BP4, BP7, BS2

Labcorp Genetics (formerly Invitae), Labcorp
Classification: Benign for Developmental and epileptic encephalopathy, 8. Last evaluated: 2025-08-04. Review status: criteria provided, single submitter. Criteria: Invitae Variant Classification Sherloc (09022015). Collection method: clinical testing. Allele origin: germline.

Blueprint Genetics
Classification: Likely benign. Last evaluated: 2024-03-21. Review status: criteria provided, single submitter. Criteria: ACMG Guidelines, 2015. Collection method: clinical testing. Allele origin: germline.

Genetic Services Laboratory, University of Chicago
Classification: Likely benign. Last evaluated: 2017-10-25. Review status: criteria provided, single submitter. Criteria: ACMG Guidelines, 2015. Collection method: clinical testing. Allele origin: germline. Affected: no.

NM_001353921.2(ARHGEF9):c.447C>T (p.Asp149=)

Gene: ARHGEF9 (Cdc42 guanine nucleotide exchange factor 9; minus strand). Cytogenetic location: Xq11.1.
Variant type: single nucleotide variant.
Coding change: c.447C>T on transcript NM_001353921.2 (MANE Select); coding-DNA position 447, C replaced by T.
Protein change: p.Asp149=; no amino-acid change (aspartic acid 149 retained).
Molecular consequence: synonymous variant.
Genome position (GRCh38, 1-based): chrX:63,697,260, G>A on the plus strand (C>T on the coding strand, the complement: ARHGEF9 is on the minus strand). VCF-style: chrX-63697260-G-A. GRCh37 (hg19) VCF-style: chrX-62917140-G-A.
Other names: c.267C>T, p.Asp89= (NM_001173479.2); c.120C>T, p.Asp40= (NM_001173480.2, NM_001369042.1); c.363C>T, p.Asp121= (NM_001330495.2, NM_001353927.2, NM_001369033.1 and 8 more transcripts); c.447C>T, p.Asp149= (NM_001353922.2); c.465C>T, p.Asp155= (NM_001353923.1); c.246C>T, p.Asp82= (NM_001353924.2, NM_001353926.2, NM_001369039.1 and 1 more transcripts); c.426C>T, p.Asp142= (NM_001353928.2, NM_001369030.1, NM_001369031.1 and 2 more transcripts); c.12C>T, p.Asp4= (NM_001369045.1).
Identifiers: ClinVar variation 1170504 (VCV001170504.18), dbSNP rs782313473, ClinGen allele CA10431939.